The following is an entry in ClinVar:

NM_000368.5(TSC1):c.*1322C>T

Gene: TSC1 (TSC complex subunit 1; minus strand). Cytogenetic location: 9q34.13.
Variant type: single nucleotide variant.
Coding change: c.*1322C>T on transcript NM_000368.5 (MANE Select); 1322 bases downstream of the stop codon, C replaced by T.
Molecular consequence: 3 prime UTR variant.
Genome position (GRCh38, 1-based): chr9:132,894,913, G>A on the plus strand (C>T on the coding strand, the complement: TSC1 is on the minus strand). VCF-style: chr9-132894913-G-A. GRCh37 (hg19) VCF-style: chr9-135770300-G-A.
Other names: c.*1322C>T (NM_001162426.2, NM_001162427.2, NM_001362177.2).
Identifiers: ClinVar variation 365479 (VCV000365479.6), dbSNP rs2809243, ClinGen allele CA10629339.
Genomic context (GRCh38, chr9:132,894,913, plus strand): 5'-TTCCTACCAAATCCCCCTGCCTCAGCTGGAACACCAGACCACAGTTCTTAGGCTTCTAGC[G>A]TTTCTTTCAGGAGCACTTGTTGAGTTTGGATTCTCTGCCACTGCCAATTTTCTGACTAGT-3'

ClinVar aggregate classification (germline): Benign. Review status: criteria provided, multiple submitters, no conflicts (2 of 4 stars). 3 submissions from 2 submitters: Benign (3). Last evaluated 2018-01-13.

Conditions:
Isolated focal cortical dysplasia type II (FCORD2). Also called: CORTICAL DYSPLASIA OF TAYLOR; Focal cortical dysplasia type II. Identifiers: Orphanet 268994, MedGen C1846385, MONDO:0011818, OMIM 607341, HP:0032051.
Tuberous sclerosis 1 (TSC1). Identifiers: Orphanet 805, MedGen C1854465, MONDO:0008612, OMIM 191100.

Allele frequency attached by ClinVar (database versions not stated): TOPMed 0.54570; gnomAD 0.54889 and 0.55583; 1000 Genomes Project 30x 0.54919; 1000 Genomes Project 0.55212; gnomAD exomes 0.60810.

Submissions (3):

Illumina Laboratory Services, Illumina
Classification: Benign for Tuberous sclerosis 1. Last evaluated: 2018-01-13. Review status: criteria provided, single submitter. Criteria: ICSL Variant Classification Criteria 13 December 2019. Collection method: clinical testing. Allele origin: germline.
Comment: This variant was observed in the ICSL laboratory as part of a predisposition screen in an ostensibly healthy population. It had not been previously curated by ICSL or reported in the Human Gene Mutation Database (HGMD: prior to June 1st, 2018), and was therefore a candidate for classification through an automated scoring system. Utilizing variant allele frequency, disease prevalence and penetrance estimates, and inheritance mode, an automated score was calculated to assess if this variant is too frequent to cause the disease. Based on the score and internal cut-off values, a variant classified as benign is not then subjected to further curation. The score for this variant resulted in a classification of benign for this disease.

Illumina Laboratory Services, Illumina
Classification: Benign for Isolated focal cortical dysplasia type II. Last evaluated: 2018-01-13. Review status: criteria provided, single submitter. Criteria: ICSL Variant Classification Criteria 13 December 2019. Collection method: clinical testing. Allele origin: germline.
Comment: the same text as in the submission from Illumina Laboratory Services, Illumina above.

Breakthrough Genomics
Classification: Benign. Review status: criteria provided, single submitter. Criteria: ACMG Guidelines, 2015. Collection method: not provided. Allele origin: germline. Inheritance: Autosomal dominant inheritance. Affected: yes.